The following is an entry in ClinVar:

NM_004187.5(KDM5C):c.2455C>A (p.Leu819Met)

Gene: KDM5C (lysine demethylase 5C; minus strand). Cytogenetic location: Xp11.22.
Variant type: single nucleotide variant.
Coding change: c.2455C>A on transcript NM_004187.5 (MANE Select); coding-DNA position 2455, C replaced by A.
Protein change: p.Leu819Met; replaces leucine 819 with methionine.
Molecular consequence: missense variant. On other transcripts: non-coding transcript variant (3).
Genome position (GRCh38, 1-based): chrX:53,198,551, G>T on the plus strand (C>A on the coding strand, the complement: KDM5C is on the minus strand). VCF-style: chrX-53198551-G-T. GRCh37 (hg19) VCF-style: chrX-53227733-G-T.
Other names: c.2254C>A, p.Leu752Met (NM_001146702.2); c.2452C>A, p.Leu818Met (NM_001282622.3, NM_001353979.2, NM_001353982.2); c.2455C>A, p.Leu819Met (NM_001353978.3, NM_001353981.2, NM_001353984.2); short protein forms L752M, L818M, L819M.
Identifiers: ClinVar variation 3370710 (VCV003370710.1).

ClinVar aggregate classification (germline): Uncertain significance (1 of 4 stars; one submission).

Submission:

GeneDx
Classification: Uncertain significance. Last evaluated: 2024-03-11. Review status: criteria provided, single submitter. Criteria: GeneDx Variant Classification Process June 2021. Collection method: clinical testing. Allele origin: germline. Affected: yes.
Comment: Not observed at significant frequency in large population cohorts (gnomAD); In silico analysis supports that this missense variant does not alter protein structure/function; Has not been previously published as pathogenic or benign to our knowledge